The following is an entry in ClinVar:

ClinVar aggregate classification (germline): Uncertain significance. Review status: criteria provided, multiple submitters, no conflicts (2 of 4 stars). 2 submissions from 2 submitters: Uncertain significance (2). Last evaluated 2025-03-19.

Conditions:
Early-infantile DEE. Also called: Ohtahara syndrome; Early infantile epileptic encephalopathy with suppression bursts; Early infantile epileptic encephalopathy. Identifiers: Orphanet 1934, MedGen C0393706, MONDO:0800491.

Allele frequency attached by ClinVar (database versions not stated): ExAC 0.00004; gnomAD 0.00005 and 0.00006; TOPMed 0.00005; ESP Exome Variant Server 0.00015.
gnomAD v4.1: 176 of 1,613,378 alleles (0.011%); highest among the groups gnomAD compares: Middle Eastern, 0.016%; no homozygotes.

Submissions (2):

Labcorp Genetics (formerly Invitae), Labcorp
Classification: Uncertain significance for Early-infantile DEE. Last evaluated: 2025-03-19. Review status: criteria provided, single submitter. Criteria: Invitae Variant Classification Sherloc (09022015). Collection method: clinical testing. Allele origin: germline.
Comment: This sequence change replaces arginine, which is basic and polar, with tryptophan, which is neutral and slightly polar, at codon 245 of the ARHGEF15 protein (p.Arg245Trp). This variant is present in population databases (rs371870992, gnomAD 0.008%). This variant has not been reported in the literature in individuals affected with ARHGEF15-related conditions. ClinVar contains an entry for this variant (Variation ID: 839712). An algorithm developed to predict the effect of missense changes on protein structure and function (PolyPhen-2) suggests that this variant is likely to be disruptive. In summary, the available evidence is currently insufficient to determine the role of this variant in disease. Therefore, it has been classified as a Variant of Uncertain Significance.

Ambry Genetics
Classification: Uncertain significance. Last evaluated: 2024-12-05. Review status: criteria provided, single submitter. Criteria: Ambry Variant Classification Scheme 2023. Collection method: clinical testing. Allele origin: germline.

NM_173728.4(ARHGEF15):c.733C>T (p.Arg245Trp)

Gene: ARHGEF15 (Rho guanine nucleotide exchange factor 15; plus strand). Cytogenetic location: 17p13.1.
Variant type: single nucleotide variant.
Coding change: c.733C>T on transcript NM_173728.4 (MANE Select); coding-DNA position 733, C replaced by T.
Protein change: p.Arg245Trp; replaces arginine 245 with tryptophan.
Molecular consequence: missense variant.
Genome position (GRCh38, 1-based): chr17:8,313,053, C>T. VCF-style: chr17-8313053-C-T. GRCh37 (hg19) VCF-style: chr17-8216371-C-T.
Other names: c.733C>T, p.Arg245Trp (NM_025014.2); short protein forms R245W.
Identifiers: ClinVar variation 839712 (VCV000839712.11), dbSNP rs371870992, ClinGen allele CA8374968.
Genomic context (GRCh38, chr17:8,313,053, plus strand): 5'-TGGGTGCCTGTGGGGGGCTATGAGGAGGTCCCCAGGGTCCCCCGTCGGGCCTCCCCGCTG[C>T]GGACCTCTCGCTCCCGCCCCCACCCTCCAAGCATCGGTCACCCTGCCGTTGTCCTCACAT-3'
Protein context (NP_776089.2, residues 235-255): PRVPRRASPL[Arg245Trp]TSRSRPHPPS